The following is an entry in ClinVar:

NM_001101362.3(KBTBD13):c.340dup (p.Ala114fs)

Gene: KBTBD13 (kelch repeat and BTB domain containing 13; plus strand). Cytogenetic location: 15q22.31.
Variant type: Duplication.
Coding change: c.340dup on transcript NM_001101362.3 (MANE Select); coding-DNA position 340, one base duplicated (G; older notation c.340dupG).
Protein change: p.Ala114fs; shifts the reading frame from alanine 114.
Molecular consequence: frameshift variant.
Genome position (GRCh38, 1-based): chr15:65,077,155, G duplicated. VCF-style (leftmost placement, unchanged base first): chr15-65077154-C-CG. GRCh37 (hg19) VCF-style: chr15-65369492-C-CG.
Other names: short protein forms A114fs.
Identifiers: ClinVar variation 2663199 (VCV002663199.1), dbSNP rs2086984110, ClinGen allele CA970810624.

ClinVar aggregate classification (germline): Uncertain significance (1 of 4 stars; one submission).

Allele frequency attached by ClinVar (database versions not stated): gnomAD 0.00001.

Submission:

GeneDx
Classification: Uncertain significance. Last evaluated: 2023-04-12. Review status: criteria provided, single submitter. Criteria: GeneDx Variant Classification Process June 2021. Collection method: clinical testing. Allele origin: germline. Affected: yes.
Comment: Not observed at significant frequency in large population cohorts (gnomAD); Frameshift variant predicted to result in protein truncation as the last 345 amino acids are replaced with 30 different amino acids, although loss-of-function variants have not been reported downstream of this position in the protein; Has not been previously published as pathogenic or benign to our knowledge